The following is an entry in ClinVar:

NM_152564.5(VPS13B):c.307T>G (p.Cys103Gly)

Gene: VPS13B (vacuolar protein sorting 13 homolog B; plus strand). Cytogenetic location: 8q22.2.
Variant type: single nucleotide variant.
Coding change: c.307T>G on transcript NM_152564.5 (MANE Select); coding-DNA position 307, T replaced by G.
Protein change: p.Cys103Gly; replaces cysteine 103 with glycine.
Molecular consequence: missense variant. On other transcripts: non-coding transcript variant (1).
Genome position (GRCh38, 1-based): chr8:99,096,327, T>G. VCF-style: chr8-99096327-T-G. GRCh37 (hg19) VCF-style: chr8-100108555-T-G.
Other names: c.307T>G, p.Cys103Gly (NM_015243.3, NM_017890.5, NM_181661.3); short protein forms C103G.
Identifiers: ClinVar variation 4991869 (VCV004991869.1).

ClinVar aggregate classification (germline): Uncertain significance (1 of 4 stars; one submission).

Conditions:
VPS13B-related disorder. Also called: VPS13B-related condition.

Submission:

PreventionGenetics, part of Exact Sciences
Classification: Uncertain significance for VPS13B-related condition. Last evaluated: 2025-11-11. Review status: criteria provided, single submitter. Criteria: ACMG Guidelines, 2015. Collection method: clinical testing. Allele origin: germline.
Comment: The VPS13B c.307T>G variant is predicted to result in the amino acid substitution p.Cys103Gly. To our knowledge, this variant has not been reported in the literature or in a large population database (gnomAD), indicating this variant is rare. At this time, the clinical significance of this variant is uncertain due to the absence of conclusive functional and genetic evidence.